The following is an entry in ClinVar:

ClinVar aggregate classification (germline): Likely pathogenic (1 of 4 stars; one submission).

Conditions:
Familial thoracic aortic aneurysm and aortic dissection (TAAD). Also called: Thoracic aortic aneurysms and dissections. Identifiers: Orphanet 91387, MedGen C4707243, MONDO:0019625.

Submission:

Ambry Genetics
Classification: Likely pathogenic for Familial thoracic aortic aneurysm and aortic dissection. Last evaluated: 2024-01-23. Review status: criteria provided, single submitter. Criteria: Ambry Variant Classification Scheme 2023. Collection method: clinical testing. Allele origin: germline.
Comment: The c.2383G>C (p.G795R) alteration is located in exon 34 (coding exon 34) of the COL3A1 gene. This alteration results from a G to C substitution at nucleotide position 2383, causing the glycine (G) at amino acid position 795 to be replaced by an arginine (R). This variant was not reported in population-based cohorts in the Genome Aggregation Database (gnomAD). This amino acid position is highly conserved in available vertebrate species. The majority (approximately two-thirds) ofCOL3A1mutations identified to date have involved the substitution of another amino acid for glycine within the triple-helical domain (Pepin, 2014; Frank, 2015). Internal structural analysis indicates that this alteration disrupts the characteristic G-X-Y motif in the COL3A1 protein and inserts a bulky side chain into a sterically-constrained region (Bella, 1994; Hohenester, 2008; Ambry internal data). This alteration is predicted to be deleterious by in silico analysis. Based on the available evidence, this alteration is classified as likely pathogenic.

Literature cited by the submitters: PubMed 7695699; PubMed 19011090; PubMed 24922459; PubMed 25758994.

NM_000090.4(COL3A1):c.2383G>C (p.Gly795Arg)

Genes: COL3A1 (collagen type III alpha 1 chain; plus strand), LOC126806446 (P300/CBP strongly-dependent group 1 enhancer GRCh37_chr2:189866210-189867409; plus strand). Cytogenetic location: 2q32.2.
Variant type: single nucleotide variant.
Coding change: c.2383G>C on transcript NM_000090.4 (MANE Select); coding-DNA position 2383, G replaced by C.
Protein change: p.Gly795Arg; replaces glycine 795 with arginine.
Molecular consequence: missense variant.
Genome position (GRCh38, 1-based): chr2:189,001,581, G>C. VCF-style: chr2-189001581-G-C. GRCh37 (hg19) VCF-style: chr2-189866307-G-C.
Other names: short protein forms G795R.
Identifiers: ClinVar variation 3147564 (VCV003147564.1), dbSNP rs2469148127, ClinGen allele CA349842544.